The following is an entry in ClinVar:

ClinVar aggregate classification (germline): Uncertain significance (1 of 4 stars; one submission).

Conditions:
Hereditary cancer-predisposing syndrome. Also called: Neoplastic Syndromes, Hereditary; Tumor predisposition; Hereditary Cancer Syndrome; Hereditary neoplastic syndrome. Identifiers: Orphanet 140162, MedGen C0027672, MeSH D009386, MONDO:0015356.

Submission:

Ambry Genetics
Classification: Uncertain significance for Hereditary cancer-predisposing syndrome. Last evaluated: 2026-02-24. Review status: criteria provided, single submitter. Criteria: Ambry Variant Classification Scheme 2023. Collection method: clinical testing. Allele origin: germline.
Comment: The p.A474S variant (also known as c.1420G>T), located in coding exon 9 of the FLCN gene, results from a G to T substitution at nucleotide position 1420. The alanine at codon 474 is replaced by serine, an amino acid with similar properties. This amino acid position is conserved. In addition, this alteration is predicted to be tolerated by in silico analysis. Based on the available evidence, the clinical significance of this variant remains unclear.

NM_144997.7(FLCN):c.1420G>T (p.Ala474Ser)

Gene: FLCN (folliculin; minus strand). Cytogenetic location: 17p11.2.
Variant type: single nucleotide variant.
Coding change: c.1420G>T on transcript NM_144997.7 (MANE Select); coding-DNA position 1420, G replaced by T.
Protein change: p.Ala474Ser; replaces alanine 474 with serine.
Molecular consequence: missense variant.
Genome position (GRCh38, 1-based): chr17:17,215,197, C>A on the plus strand (G>T on the coding strand, the complement: FLCN is on the minus strand). VCF-style: chr17-17215197-C-A. GRCh37 (hg19) VCF-style: chr17-17118511-C-A.
Other names: c.1474G>T, p.Ala492Ser (NM_001353229.2); c.1420G>T, p.Ala474Ser (NM_001353230.2, NM_001353231.2); short protein forms A492S, A474S.
Identifiers: ClinVar variation 4827034 (VCV004827034.1).